The following is an entry in ClinVar:

NM_032492.4(JAGN1):c.35C>T (p.Thr12Ile)

Gene: JAGN1 (jagunal vesicle mediated transporter 1; plus strand). Cytogenetic location: 3p25.3.
Variant type: single nucleotide variant.
Coding change: c.35C>T on transcript NM_032492.4 (MANE Select); coding-DNA position 35, C replaced by T.
Protein change: p.Thr12Ile; replaces threonine 12 with isoleucine.
Molecular consequence: missense variant. On other transcripts: 5 prime UTR variant (1).
Genome position (GRCh38, 1-based): chr3:9,890,757, C>T. VCF-style: chr3-9890757-C-T. GRCh37 (hg19) VCF-style: chr3-9932441-C-T.
Other names: c.-234C>T (NM_001363890.1); c.35C>T, p.Thr12Ile (LRG_1228t1); short protein forms T12I.
Identifiers: ClinVar variation 475247 (VCV000475247.8), dbSNP rs150797085, ClinGen allele CA2245788.

ClinVar aggregate classification (germline): Uncertain significance. Review status: criteria provided, multiple submitters, no conflicts (2 of 4 stars). 4 submissions from 4 submitters: Uncertain significance (4). Last evaluated 2025-07-03.

Conditions:
Inborn genetic diseases. Identifiers: MedGen C0950123, MeSH D030342.
Autosomal recessive severe congenital neutropenia due to JAGN1 deficiency. Also called: Severe congenital neutropenia 6, autosomal recessive. Identifiers: Orphanet 423384, MedGen C4014954, MONDO:0014456, OMIM 616022.

Allele frequency attached by ClinVar (database versions not stated): gnomAD exomes 0.00005; ExAC 0.00010; gnomAD 0.00014 and 0.00016; 1000 Genomes Project 30x 0.00016; TOPMed 0.00018; 1000 Genomes Project 0.00020; ESP Exome Variant Server 0.00023.

Submissions (4):

Labcorp Genetics (formerly Invitae), Labcorp
Classification: Uncertain significance for Autosomal recessive severe congenital neutropenia due to JAGN1 deficiency. Last evaluated: 2025-07-03. Review status: criteria provided, single submitter. Criteria: Invitae Variant Classification Sherloc (09022015). Collection method: clinical testing. Allele origin: germline.
Comment: This sequence change replaces threonine, which is neutral and polar, with isoleucine, which is neutral and non-polar, at codon 12 of the JAGN1 protein (p.Thr12Ile). This variant is present in population databases (rs150797085, gnomAD 0.07%). This variant has not been reported in the literature in individuals affected with JAGN1-related conditions. ClinVar contains an entry for this variant (Variation ID: 475247). An algorithm developed to predict the effect of missense changes on protein structure and function (PolyPhen-2) suggests that this variant is likely to be disruptive. In summary, the available evidence is currently insufficient to determine the role of this variant in disease. Therefore, it has been classified as a Variant of Uncertain Significance.

St. Jude Molecular Pathology, St. Jude Children's Research Hospital
Classification: Uncertain significance for Autosomal recessive severe congenital neutropenia due to JAGN1 deficiency. Last evaluated: 2025-06-17. Review status: criteria provided, single submitter. Criteria: St. Jude Assertion Criteria 2020. Collection method: clinical testing. Allele origin: germline.
Comment: The JAGN1 c.35C>T (p.Thr12Ile)) missense change has a maximum subpopulation frequency of 0.068% in gnomAD v2.1.1. The in silico tool REVEL predicts a deleterious effect on protein function, but to our knowledge this prediction has not been confirmed by functional studies. To our knowledge, this variant has not been reported in JAGN1-associated congenital neutropenia. In summary, the evidence currently available is insufficient to determine the clinical significance of this variant. It has therefore been classified as of uncertain significance.

Ambry Genetics
Classification: Uncertain significance for Inborn genetic diseases. Last evaluated: 2022-12-15. Review status: criteria provided, single submitter. Criteria: Ambry Variant Classification Scheme 2023. Collection method: clinical testing. Allele origin: germline.

Blueprint Genetics
Classification: Uncertain significance. Last evaluated: 2020-12-10. Review status: criteria provided, single submitter. Criteria: ACMG Guidelines, 2015. Collection method: clinical testing. Allele origin: germline.